The following is an entry in ClinVar:

NM_000297.4(PKD2):c.1925G>A (p.Gly642Asp)

Gene: PKD2 (polycystin 2, transient receptor potential cation channel; plus strand). Cytogenetic location: 4q22.1.
Variant type: single nucleotide variant.
Coding change: c.1925G>A on transcript NM_000297.4 (MANE Select); coding-DNA position 1925, G replaced by A.
Protein change: p.Gly642Asp; replaces glycine 642 with aspartic acid.
Molecular consequence: missense variant.
Genome position (GRCh38, 1-based): chr4:88,058,009, G>A. VCF-style: chr4-88058009-G-A. GRCh37 (hg19) VCF-style: chr4-88979161-G-A.
Other names: c.1700G>A, p.Gly567Asp (NM_001440544.1); short protein forms G567D, G642D.
Identifiers: ClinVar variation 4531955 (VCV004531955.1).

ClinVar aggregate classification (germline): Uncertain significance (1 of 4 stars; one submission).

Conditions:
Polycystic kidney disease 2 (PKD2). Also called: POLYCYSTIC KIDNEY DISEASE, ADULT, TYPE II; Polycystic Kidney Disease 2, Autosomal Dominant; POLYCYSTIC KIDNEY DISEASE 2 WITH OR WITHOUT POLYCYSTIC LIVER DISEASE. Identifiers: MedGen C2751306, MONDO:0013131, OMIM 613095.

Submission:

Victorian Clinical Genetics Services, Murdoch Childrens Research Institute
Classification: Uncertain significance for Polycystic kidney disease 2. Last evaluated: 2025-09-10. Review status: criteria provided, single submitter. Criteria: ACMG Guidelines, 2015. Collection method: clinical testing. Allele origin: germline. Affected: yes.
Comment: This variant is classified as VUS-3B. Evidence in support of pathogenic classification: Variant is absent from gnomAD (v2, v3 and v4); Missense variant predicted to be damaging by in silico tool(s) or highly conserved with a major amino acid change. Additional information: Variant is predicted to result in a missense amino acid change from glycine to aspartic acid; This variant is heterozygous; This gene is associated with autosomal dominant disease; This variant has no previous evidence of pathogenicity; No published segregation evidence has been identified for this variant; No published functional evidence has been identified for this variant; No comparable missense variants have previous evidence for pathogenicity; Variant is located in the annotated polycystin cation channel (DECIPHER); Loss of function is a known mechanism of disease in this gene and is associated with polycystic kidney disease 2 (MIM#613095).